The following is an entry in ClinVar:

ClinVar aggregate classification (germline): Conflicting classifications of pathogenicity. Review status: criteria provided, conflicting classifications (1 of 4 stars). 4 submissions from 4 submitters: Pathogenic (1); Likely pathogenic (2); Uncertain significance (1). Last evaluated 2025-12-30.

Conditions:
Biotinidase deficiency. Also called: BTD deficiency; Late-onset biotin-responsive multiple carboxylase deficiency; Biotin deficiency. Identifiers: Orphanet 79241, MedGen C0220754, MONDO:0009665, OMIM 253260.

Allele frequency attached by ClinVar (database versions not stated): ExAC 0.00001; gnomAD 0.00001; gnomAD exomes 0.00001; TOPMed 0.00003.
gnomAD v4.1: 53 of 1,610,564 alleles (0.0033%); highest among the groups gnomAD compares: Non-Finnish European, 0.0045%; no homozygotes.

Submissions (4):

Labcorp Genetics (formerly Invitae), Labcorp
Classification: Pathogenic for Biotinidase deficiency. Last evaluated: 2025-12-30. Review status: criteria provided, single submitter. Criteria: Invitae Variant Classification Sherloc (09022015). Collection method: clinical testing. Allele origin: germline.
Comment: This sequence change replaces leucine, which is neutral and non-polar, with valine, which is neutral and non-polar, at codon 535 of the BTD protein (p.Leu535Val). The frequency data for this variant in the population databases is considered unreliable, as metrics indicate poor data quality at this position in the gnomAD database. This missense change has been observed in individual(s) with biotinidase deficiency (PMID: 26361991; internal data). In at least one individual the data is consistent with being in trans (on the opposite chromosome) from a pathogenic variant. ClinVar contains an entry for this variant (Variation ID: 993214). Invitae Evidence Modeling of protein sequence and biophysical properties (such as structural, functional, and spatial information, amino acid conservation, physicochemical variation, residue mobility, and thermodynamic stability) indicates that this missense variant is expected to disrupt BTD protein function with a positive predictive value of 95%. For these reasons, this variant has been classified as Pathogenic.

Baylor Genetics
Classification: Likely pathogenic for Biotinidase deficiency. Last evaluated: 2024-03-24. Review status: criteria provided, single submitter. Criteria: ACMG Guidelines, 2015. Collection method: clinical testing. Allele origin: unknown.

Quest Diagnostics Nichols Institute San Juan Capistrano
Classification: Likely pathogenic. Last evaluated: 2020-08-10. Review status: criteria provided, single submitter. Criteria: Quest Diagnostics criteria. Collection method: clinical testing. Allele origin: unknown.
Comment: The best available variant frequency is uninformative because there are too few occurrences in population data. Found in at least one patient with expected phenotype for this gene. Predicted to have a damaging effect on the protein. Assessment of experimental evidence suggests this variant results in abnormal protein function.

Revvity Omics, Revvity
Classification: Uncertain significance for Biotinidase deficiency. Last evaluated: 2019-10-09. Review status: criteria provided, single submitter. Criteria: ACMG Guidelines, 2015. Collection method: clinical testing. Allele origin: germline.

Literature cited by the submitters: PubMed 26361991 (cited by Labcorp Genetics (formerly Invitae), Labcorp and Quest Diagnostics Nichols Institute San Juan Capistrano); PubMed 9396567 (cited by Quest Diagnostics Nichols Institute San Juan Capistrano).

NM_001370658.1(BTD):c.1543C>G (p.Leu515Val)

Gene: BTD (biotinidase; plus strand). Cytogenetic location: 3p25.1.
Variant type: single nucleotide variant.
Coding change: c.1543C>G on transcript NM_001370658.1 (MANE Select); coding-DNA position 1543, C replaced by G.
Protein change: p.Leu515Val; replaces leucine 515 with valine.
Molecular consequence: missense variant. On other transcripts: intron variant (8).
Genome position (GRCh38, 1-based): chr3:15,645,459, C>G. VCF-style: chr3-15645459-C-G. GRCh37 (hg19) VCF-style: chr3-15686966-C-G.
Other names: c.1603C>G (NM_000060.2); c.1543C>G, p.Leu515Val (NM_001281723.4, NM_001281724.3, NM_001281725.3 and 16 more transcripts); c.1015+528C>G (NM_001370752.1, NM_001407379.1); c.399+3402C>G (NM_001370753.1, NM_001407400.1, NM_001407380.1 and 3 more transcripts); c.1603C>G, p.Leu535Val (NM_000060.4); short protein forms L515V, L535V.
Identifiers: ClinVar variation 993214 (VCV000993214.14), dbSNP rs771537277, ClinGen allele CA2277502.
Genomic context (GRCh38, chr3:15,645,459, plus strand): 5'-GAGAATGACCACTATTTCCTGAGGAAAAGTAGGCTGTCCTCTGGGCTGGTGACGGCGGCT[C>G]TCTATGGGCGCTTGTATGAGAGGGACTAGGAAAAGTGTGTGGTCTGTGGGGCGGACTCTG-3'
Protein context (NP_001357587.1, residues 505-523): RLSSGLVTAA[Leu515Val]YGRLYERD